The following is an entry in ClinVar:

NM_024675.4(PALB2):c.1397_1399delinsT (p.Ser466fs)

Gene: PALB2 (partner and localizer of BRCA2; minus strand). Cytogenetic location: 16p12.2.
Variant type: Indel.
Coding change: c.1397_1399delinsT on transcript NM_024675.4 (MANE Select); coding-DNA positions 1397 to 1399, CTG replaced by T.
Protein change: p.Ser466fs; shifts the reading frame from serine 466.
Molecular consequence: frameshift variant.
Genome position (GRCh38, 1-based): chr16:23,635,147-23,635,149, CAG replaced by A on the plus strand (CTG replaced by T on the coding strand, the reverse complement: PALB2 is on the minus strand). VCF-style: chr16-23635147-CAG-A. GRCh37 (hg19) VCF-style: chr16-23646468-CAG-A.
Other names: c.1337_1339delCTGinsT, p.Ser446Leufs (NM_001407296.1); c.1397_1399delCTGinsT, p.Ser466Leufs (NM_001407297.1, NM_001407298.1, NM_001407299.1 and 3 more transcripts); c.512_514delCTGinsT, p.Ser171Leufs (NM_001407304.1, NM_001407305.1, NM_001407306.1 and 5 more transcripts); short protein forms S466fs.
Identifiers: ClinVar variation 2096263 (VCV002096263.4), dbSNP rs2506478950, ClinGen allele CA2580091286.

ClinVar aggregate classification (germline): Pathogenic (1 of 4 stars; one submission).

Conditions:
Familial cancer of breast. Also called: Hereditary breast cancer; BREAST CANCER, FAMILIAL; hereditary breast carcinoma. Identifiers: Orphanet 227535, MedGen C0346153, MONDO:0016419, OMIM 114480. Disease mechanism: loss of function.

Submission:

Labcorp Genetics (formerly Invitae), Labcorp
Classification: Pathogenic for Familial cancer of breast. Last evaluated: 2022-05-19. Review status: criteria provided, single submitter. Criteria: Invitae Variant Classification Sherloc (09022015). Collection method: clinical testing. Allele origin: germline.
Comment: Information on the frequency of this variant in the gnomAD database is not available, as this variant may be reported differently in the database. For these reasons, this variant has been classified as Pathogenic. This variant has not been reported in the literature in individuals affected with PALB2-related conditions. This sequence change creates a premature translational stop signal (p.Ser466Leufs*20) in the PALB2 gene. It is expected to result in an absent or disrupted protein product. Loss-of-function variants in PALB2 are known to be pathogenic (PMID: 17200668, 17200671, 17200672, 24136930, 25099575).

Literature cited by the submitters: PubMed 17200668; PubMed 17200671; PubMed 17200672; PubMed 24136930; PubMed 25099575.